The following is an entry in ClinVar:

NM_001191061.2(SLC25A22):c.578C>T (p.Thr193Met)

Gene: SLC25A22 (solute carrier family 25 member 22; minus strand). Cytogenetic location: 11p15.5.
Variant type: single nucleotide variant.
Coding change: c.578C>T on transcript NM_001191061.2 (MANE Select); coding-DNA position 578, C replaced by T.
Protein change: p.Thr193Met; replaces threonine 193 with methionine.
Molecular consequence: missense variant.
Genome position (GRCh38, 1-based): chr11:792,562, G>A on the plus strand (C>T on the coding strand, the complement: SLC25A22 is on the minus strand). VCF-style: chr11-792562-G-A. GRCh37 (hg19) VCF-style: chr11-792562-G-A.
Other names: c.578C>T, p.Thr193Met (NM_001191060.2, NM_024698.6); short protein forms T193M.
Identifiers: ClinVar variation 1000865 (VCV001000865.9), dbSNP rs770357560, ClinGen allele CA5789148.

ClinVar aggregate classification (germline): Uncertain significance (1 of 4 stars; one submission).

Conditions:
Early-infantile DEE. Also called: Early infantile epileptic encephalopathy with suppression bursts; Ohtahara syndrome; Early infantile epileptic encephalopathy. Identifiers: Orphanet 1934, MedGen C0393706, MONDO:0800491.

Allele frequency attached by ClinVar (database versions not stated): gnomAD exomes below 0.00001; TOPMed below 0.00001; ExAC 0.00001; gnomAD 0.00001.

Submission:

Labcorp Genetics (formerly Invitae), Labcorp
Classification: Uncertain significance for Early-infantile DEE. Last evaluated: 2020-06-13. Review status: criteria provided, single submitter. Criteria: Invitae Variant Classification Sherloc (09022015). Collection method: clinical testing. Allele origin: germline.
Comment: In summary, the available evidence is currently insufficient to determine the role of this variant in disease. Therefore, it has been classified as a Variant of Uncertain Significance. Algorithms developed to predict the effect of missense changes on protein structure and function are either unavailable or do not agree on the potential impact of this missense change (SIFT: "Deleterious"; PolyPhen-2: "Probably Damaging"; Align-GVGD: "Class C0"). This variant has not been reported in the literature in individuals with SLC25A22-related conditions. This variant is present in population databases (rs770357560, ExAC 0.01%). This sequence change replaces threonine with methionine at codon 193 of the SLC25A22 protein (p.Thr193Met). The threonine residue is highly conserved and there is a moderate physicochemical difference between threonine and methionine.